The following is an entry in ClinVar:

NM_004444.5(EPHB4):c.1990G>A (p.Glu664Lys)

Gene: EPHB4 (EPH receptor B4; minus strand). Cytogenetic location: 7q22.1.
Variant type: single nucleotide variant.
Coding change: c.1990G>A on transcript NM_004444.5 (MANE Select); coding-DNA position 1990, G replaced by A.
Protein change: p.Glu664Lys; replaces glutamic acid 664 with lysine.
Molecular consequence: missense variant.
Genome position (GRCh38, 1-based): chr7:100,812,875, C>T on the plus strand (G>A on the coding strand, the complement: EPHB4 is on the minus strand). VCF-style: chr7-100812875-C-T. GRCh37 (hg19) VCF-style: chr7-100410497-C-T.
Other names: short protein forms E664K.
Identifiers: ClinVar variation 590873 (VCV000590873.6), dbSNP rs1562969219, ClinGen allele CA368570236.

ClinVar aggregate classification (germline): Pathogenic/Likely pathogenic. Review status: criteria provided, multiple submitters, no conflicts (2 of 4 stars). 5 submissions from 5 submitters: Pathogenic (1); Likely pathogenic (3). 1 of the submissions does not count toward it. Last evaluated 2024-02-02.

Conditions:
Capillary malformation-arteriovenous malformation 2 (CMAVM2). Identifiers: Orphanet 693912, MedGen C4748670, MONDO:0020785, OMIM 618196.
EPHB4-related disorder. Also called: EPHB4-related disorders; EPHB4-related condition.

Allele frequency attached by ClinVar (database versions not stated): gnomAD exomes below 0.00001.
gnomAD v4.1: 1 of 1,614,240 alleles (0.000062%); highest among the groups gnomAD compares: Non-Finnish European, 0.000085%; no homozygotes.

Submissions (5):

GeneDx
Classification: Likely pathogenic. Last evaluated: 2024-02-02. Review status: criteria provided, single submitter. Criteria: GeneDx Variant Classification Process June 2021. Collection method: clinical testing. Allele origin: germline. Affected: yes.
Comment: Observed in a cohort of patients with capillary malformation-arteriovenous malformation (CM-AVM) syndrome (PMID: 28687708); Not observed at significant frequency in large population cohorts (gnomAD); Published functional studies demonstrate a damaging effect due to reduced protein expression (PMID: 28687708); In silico analysis supports that this missense variant has a deleterious effect on protein structure/function; This variant is associated with the following publications: (PMID: 30819650, 28687708)

Women's Health and Genetics/Laboratory Corporation of America, LabCorp
Classification: Likely pathogenic for Capillary malformation-arteriovenous malformation 2. Last evaluated: 2023-11-10. Review status: criteria provided, single submitter. Criteria: LabCorp Variant Classification Summary - May 2015. Collection method: clinical testing. Allele origin: germline.
Comment: Variant summary: EPHB4 c.1990G>A (p.Glu664Lys) results in a conservative amino acid change located in the Protein kinase domain (IPR000719) of the encoded protein sequence. Four of five in-silico tools predict a damaging effect of the variant on protein function. The variant was absent in 251450 control chromosomes. c.1990G>A has been reported in the literature in at-least three individuals from one family affected with Capillary Malformation (example, Amyere_2017). These data indicate that the variant may be associated with Capillary Malformation-Arteriovenous Malformation 2. At least one publication reports experimental evidence evaluating an impact on protein function. The most pronounced variant effect results in absence of EPHB4 in COS7 cells (Amyere_2017). The following publication have been ascertained in the context of this evaluation (PMID: 28687708). Two submitters have cited clinical-significance assessments for this variant to ClinVar after 2014 (pathogenic, n=1; likely pathogenic, n=1). Based on the evidence outlined above, the variant was classified as likely pathogenic.

SIB Swiss Institute of Bioinformatics
Classification: Likely pathogenic for Capillary malformation-arteriovenous malformation 2. Last evaluated: 2019-03-29. Review status: criteria provided, single submitter. Criteria: ACMG Guidelines, 2015. Collection method: curation. Allele origin: unknown.
Comment: This variant is interpreted as a Likely pathogenic for Capillary malformation-arteriovenous malformation 2. The following ACMG Tag(s) were applied: PM2: Absent from controls (or at extremely low frequency if recessive) in Exome Sequencing Project, 1000 Genomes Project, or Exome Aggregation Consortium. PM1: Located in a mutational hot spot and/or critical and well-established functional domain (e.g.,active site of an enzyme) without benign variation. PP3: Multiple lines of computational evidence support a deleterious effect on the gene or gene product. PS3: Well-established functional studies show a deleterious effect.

Rady Children's Institute for Genomic Medicine, Rady Children's Hospital San Diego
Classification: Pathogenic for EPHB4-related disorders. Review status: criteria provided, single submitter. Criteria: ACMG Guidelines, 2015. Collection method: clinical testing. Allele origin: germline. Affected: yes.
Comment: This variant has been previously reported in affected individuals from a single family with features of capillary malformation-arteriovenous malformation-2 (MIM: #618196; PMID: 28687708). In vitro functional studies performed on COS7 cells support a loss-of-function effect for the c.1990G>A (p.Glu664Lys) variant (PMID: 28687708). This variant is absent from the gnomAD population database and thus is presumed to be rare. It affects a highly conserved amino acid and is predicted by multiple in silico tools to have a deleterious effect on protein function. Analysis of the parental samples was negative for the variant, indicating this variant likely occurred as a de novo event. Based on the available evidence, the c.1990G>A (p.Glu664Lys) variant is classified as Pathogenic.

OMIM
Classification: Pathogenic for CAPILLARY MALFORMATION-ARTERIOVENOUS MALFORMATION 2. Last evaluated: 2018-11-26. Review status: no assertion criteria provided. Collection method: literature only. Allele origin: germline. Not counted in ClinVar's aggregate classification.

Literature cited by the submitters: PubMed 28687708 (cited by 3 submitters).